The following is an entry in ClinVar:

NM_024580.6(EFL1):c.1849A>G (p.Ile617Val)

Gene: EFL1 (elongation factor like GTPase 1; minus strand). Cytogenetic location: 15q25.2.
Variant type: single nucleotide variant.
Coding change: c.1849A>G on transcript NM_024580.6 (MANE Select); coding-DNA position 1849, A replaced by G.
Protein change: p.Ile617Val; replaces isoleucine 617 with valine.
Molecular consequence: missense variant. On other transcripts: non-coding transcript variant (1).
Genome position (GRCh38, 1-based): chr15:82,163,886, T>C on the plus strand (A>G on the coding strand, the complement: EFL1 is on the minus strand). VCF-style: chr15-82163886-T-C. GRCh37 (hg19) VCF-style: chr15-82456227-T-C.
Other names: p.Ile617Val; c.1696A>G, p.Ile566Val (NM_001040610.3); c.1060A>G, p.Ile354Val (NM_001322844.2); c.1849A>G, p.Ile617Val (NM_001322845.2); c.1849A>G (NM_024580.5); short protein forms I354V, I566V, I617V.
Identifiers: ClinVar variation 1167686 (VCV001167686.15), dbSNP rs1128431, ClinGen allele CA7697867.

ClinVar aggregate classification (germline): Benign/Likely benign. Review status: criteria provided, multiple submitters, no conflicts (2 of 4 stars). 6 submissions from 6 submitters: Benign (3); Likely benign (2). 1 of the submissions does not count toward it. Last evaluated 2026-02-04.

Conditions:
EFL1-related disorder. Also called: EFL1-related condition.

Allele frequency attached by ClinVar (database versions not stated): ESP Exome Variant Server 0.13457; gnomAD 0.14163 and 0.14560; TOPMed 0.14817; 1000 Genomes Project 0.17472; 1000 Genomes Project 30x 0.17895.
gnomAD v4.1: 131,111 of 1,613,882 alleles (8.1%); highest among the groups gnomAD compares: African/African-American, 31%; 7,971 homozygotes.

Submissions (6):

Labcorp Genetics (formerly Invitae), Labcorp
Classification: Benign. Last evaluated: 2026-02-04. Review status: criteria provided, single submitter. Criteria: Invitae Variant Classification Sherloc (09022015). Collection method: clinical testing. Allele origin: germline.

Women's Health and Genetics/Laboratory Corporation of America, LabCorp
Classification: Likely benign. Last evaluated: 2026-01-21. Review status: criteria provided, single submitter. Criteria: LabCorp Variant Classification Summary - May 2015. Collection method: clinical testing. Allele origin: germline.

Blueprint Genetics
Classification: Likely benign. Last evaluated: 2024-11-27. Review status: criteria provided, single submitter. Criteria: ACMG Guidelines, 2015. Collection method: clinical testing. Allele origin: germline.

Mayo Clinic Laboratories, Mayo Clinic
Classification: Benign. Last evaluated: 2022-09-06. Review status: criteria provided, single submitter. Criteria: ACMG Guidelines, 2015. Collection method: clinical testing. Allele origin: germline. Observed: 144 variant alleles.

Breakthrough Genomics
Classification: Benign. Review status: criteria provided, single submitter. Criteria: ACMG Guidelines, 2015. Collection method: not provided. Allele origin: germline. Inheritance: Autosomal recessive inheritance. Affected: yes.

PreventionGenetics, part of Exact Sciences
Classification: Benign for EFL1-related condition. Last evaluated: 2019-05-01. Review status: no assertion criteria provided. Collection method: clinical testing. Allele origin: germline. Not counted in ClinVar's aggregate classification.
Comment: This variant is classified as benign based on ACMG/AMP sequence variant interpretation guidelines (Richards et al. 2015 PMID: 25741868, with internal and published modifications).